The following is an entry in ClinVar:

NM_001378414.1(HDAC4):c.958G>A (p.Val320Ile)

Gene: HDAC4 (histone deacetylase 4; minus strand). Cytogenetic location: 2q37.3.
Variant type: single nucleotide variant.
Coding change: c.958G>A on transcript NM_001378414.1 (MANE Select); coding-DNA position 958, G replaced by A.
Protein change: p.Val320Ile; replaces valine 320 with isoleucine.
Molecular consequence: missense variant.
Genome position (GRCh38, 1-based): chr2:239,139,704, C>T on the plus strand (G>A on the coding strand, the complement: HDAC4 is on the minus strand). VCF-style: chr2-239139704-C-T. GRCh37 (hg19) VCF-style: chr2-240061400-C-T.
Other names: c.958G>A, p.Val320Ile (NM_001378415.1, NM_001378416.1, NM_001378417.1 and 1 more transcripts); short protein forms V320I.
Identifiers: ClinVar variation 284720 (VCV000284720.46), dbSNP rs73000144, ClinGen allele CA2199992.
Genomic context (GRCh38, chr2:239,139,704, plus strand): 5'-ACTCTAGCCGTAGGACACAGGACAAACGCTTCGCACTGACCTCCGCCGGGATGCTGGGGA[C>T]GGCGGGCGCGATACCGTTCTCCGCGCTGACGCTCCCGGAGCTGTTGTTGGGTGAGCTGGG-3'
Protein context (NP_001365343.1, residues 310-330): VSAENGIAPA[Val320Ile]PSIPAETSLA

ClinVar aggregate classification (germline): Benign/Likely benign. Review status: criteria provided, multiple submitters, no conflicts (2 of 4 stars). 9 submissions from 9 submitters: Benign (2); Likely benign (5). 2 of the submissions do not count toward it. Last evaluated 2026-07-01.

Conditions:
HDAC4-related disorder. Also called: HDAC4-related condition.

Allele frequency attached by ClinVar (database versions not stated): 1000 Genomes Project 0.00220; 1000 Genomes Project 30x 0.00265; gnomAD exomes 0.00304 and 0.00387; ExAC 0.00306; gnomAD 0.00311 and 0.00328; ESP Exome Variant Server 0.00331; TOPMed 0.00336.
gnomAD v4.1: 6,119 of 1,614,018 alleles (0.38%); highest among the groups gnomAD compares: Non-Finnish European, 0.46%; 19 homozygotes.

Submissions (9):

CeGaT Center for Human Genetics Tuebingen
Classification: Likely benign. Last evaluated: 2026-07-01. Review status: criteria provided, single submitter. Criteria: CeGaT Center For Human Genetics Tuebingen Variant Classification Criteria Version 2. Collection method: clinical testing. Allele origin: germline. Affected: yes. Observed: 21 variant alleles.
Comment: HDAC4: BP4, BS2

Labcorp Genetics (formerly Invitae), Labcorp
Classification: Benign. Last evaluated: 2026-01-18. Review status: criteria provided, single submitter. Criteria: Invitae Variant Classification Sherloc (09022015). Collection method: clinical testing. Allele origin: germline.

Blueprint Genetics
Classification: Likely benign. Last evaluated: 2024-11-25. Review status: criteria provided, single submitter. Criteria: ACMG Guidelines, 2015. Collection method: clinical testing. Allele origin: germline.

PreventionGenetics, part of Exact Sciences
Classification: Benign for HDAC4-related condition. Last evaluated: 2024-11-19. Review status: criteria provided, single submitter. Criteria: ACMG Guidelines, 2015. Collection method: clinical testing. Allele origin: germline.
Comment: This variant is classified as benign based on ACMG/AMP sequence variant interpretation guidelines (Richards et al. 2015 PMID: 25741868, with internal and published modifications).

GeneDx
Classification: Likely benign. Last evaluated: 2021-05-05. Review status: criteria provided, single submitter. Criteria: GeneDx Variant Classification Process June 2021. Collection method: clinical testing. Allele origin: germline. Affected: yes.
Comment: This variant is associated with the following publications: (PMID: 25335771)

Eurofins Ntd Llc (ga)
Classification: Likely benign. Last evaluated: 2015-11-24. Review status: criteria provided, single submitter. Criteria: EGL Classification Definitions 2015. Collection method: clinical testing. Allele origin: germline. Observed: 1 variant allele, 1 heterozygote.

Breakthrough Genomics
Classification: Likely benign. Review status: criteria provided, single submitter. Criteria: ACMG Guidelines, 2015. Collection method: not provided. Allele origin: germline. Inheritance: Autosomal dominant inheritance. Affected: yes.

Diagnostic Laboratory, Department of Genetics, University Medical Center Groningen
Classification: Likely benign. Review status: no assertion criteria provided. Collection method: clinical testing. Allele origin: germline. Affected: yes. Study: VKGL Data-share Consensus. Not counted in ClinVar's aggregate classification.

Laboratory of Diagnostic Genome Analysis, Leiden University Medical Center (LUMC)
Classification: Likely benign. Review status: no assertion criteria provided. Collection method: clinical testing. Allele origin: germline. Affected: yes. Study: VKGL Data-share Consensus. Not counted in ClinVar's aggregate classification.